The following is an entry in ClinVar:

ClinVar aggregate classification (germline): Likely pathogenic (1 of 4 stars; one submission).

Submission:

GeneDx
Classification: Likely pathogenic. Last evaluated: 2024-05-03. Review status: criteria provided, single submitter. Criteria: GeneDx Variant Classification Process June 2021. Collection method: clinical testing. Allele origin: germline. Affected: yes.
Comment: Nonsense variant predicted to result in protein truncation or nonsense mediated decay in a gene for which loss-of-function is a known mechanism of disease; Not observed at significant frequency in large population cohorts (gnomAD); Has not been previously published as pathogenic or benign to our knowledge

NM_001163809.2(WDR81):c.1734C>G (p.Tyr578Ter)

Gene: WDR81 (WD repeat domain 81; plus strand). Cytogenetic location: 17p13.3.
Variant type: single nucleotide variant.
Coding change: c.1734C>G on transcript NM_001163809.2 (MANE Select); coding-DNA position 1734, C replaced by G.
Protein change: p.Tyr578Ter; replaces tyrosine 578 with a stop codon.
Molecular consequence: nonsense. On other transcripts: intron variant (3).
Genome position (GRCh38, 1-based): chr17:1,726,693, C>G. VCF-style: chr17-1726693-C-G. GRCh37 (hg19) VCF-style: chr17-1629987-C-G.
Other names: c.-123-1297C>G (NM_152348.4); c.59-3687C>G (NM_001163673.2); c.-15+1907C>G (NM_001163811.2); short protein forms Y578*.
Identifiers: ClinVar variation 3252613 (VCV003252613.1), dbSNP rs114510541.